The following is an entry in ClinVar:

NM_000440.3(PDE6A):c.1286G>A (p.Trp429Ter)

Gene: PDE6A (phosphodiesterase 6A; minus strand). Cytogenetic location: 5q32.
Variant type: single nucleotide variant.
Coding change: c.1286G>A on transcript NM_000440.3 (MANE Select); coding-DNA position 1286, G replaced by A.
Protein change: p.Trp429Ter; replaces tryptophan 429 with a stop codon.
Molecular consequence: nonsense.
Genome position (GRCh38, 1-based): chr5:149,898,484, C>T on the plus strand (G>A on the coding strand, the complement: PDE6A is on the minus strand). VCF-style: chr5-149898484-C-T. GRCh37 (hg19) VCF-style: chr5-149278047-C-T.
Other names: short protein forms W429*.
Identifiers: ClinVar variation 1419945 (VCV001419945.7), dbSNP rs1390479623, ClinGen allele CA361696315.
Genomic context (GRCh38, chr5:149,898,484, plus strand): 5'-ATATCCTTCCTATTTTCAAGTTTATTCATTGACTCATAGGTGTCAGGATTTAAGACAGAC[C>T]AGCCCAGAAATTGAGTCAAAGACTGAAAAAGAAAGAAAGGAGGAATCAGAGACAGAACAC-3'

ClinVar aggregate classification (germline): Pathogenic. Review status: criteria provided, multiple submitters, no conflicts (2 of 4 stars). 2 submissions from 2 submitters: Pathogenic (2). Last evaluated 2022-11-01.

Conditions:
Retinitis pigmentosa 43 (RP43). Identifiers: Orphanet 791, MedGen C3151139, MONDO:0013437, OMIM 613810.

Submissions (2):

Labcorp Genetics (formerly Invitae), Labcorp
Classification: Pathogenic. Last evaluated: 2022-11-01. Review status: criteria provided, single submitter. Criteria: Invitae Variant Classification Sherloc (09022015). Collection method: clinical testing. Allele origin: germline.
Comment: This sequence change creates a premature translational stop signal (p.Trp429*) in the PDE6A gene. It is expected to result in an absent or disrupted protein product. Loss-of-function variants in PDE6A are known to be pathogenic (PMID: 7493036, 22128245, 23847139). This variant is not present in population databases (gnomAD no frequency). This premature translational stop signal has been observed in individual(s) with retinitis pigmentosa (PMID: 30718709). ClinVar contains an entry for this variant (Variation ID: 1419945). For these reasons, this variant has been classified as Pathogenic.

Mendelics
Classification: Pathogenic for Retinitis pigmentosa 43. Last evaluated: 2022-05-04. Review status: criteria provided, single submitter. Criteria: Mendelics Assertion Criteria 2019. Collection method: clinical testing. Allele origin: germline.

Literature cited by the submitters: PubMed 7493036 (cited by Labcorp Genetics (formerly Invitae), Labcorp); PubMed 22128245 (cited by Labcorp Genetics (formerly Invitae), Labcorp); PubMed 23847139 (cited by Labcorp Genetics (formerly Invitae), Labcorp); PubMed 30718709 (cited by Labcorp Genetics (formerly Invitae), Labcorp).